The following is an entry in ClinVar:

ClinVar aggregate classification (germline): Uncertain significance (1 of 4 stars; one submission).

Allele frequency attached by ClinVar (database versions not stated): gnomAD exomes below 0.00001; ExAC 0.00001.
gnomAD v4.1: 1 of 1,613,714 alleles (0.000062%); highest among the groups gnomAD compares: Non-Finnish European, 0.000085%; no homozygotes.

Submission:

Labcorp Genetics (formerly Invitae), Labcorp
Classification: Uncertain significance. Last evaluated: 2022-06-04. Review status: criteria provided, single submitter. Criteria: Invitae Variant Classification Sherloc (09022015). Collection method: clinical testing. Allele origin: germline.
Comment: This variant has not been reported in the literature in individuals affected with PCDH15-related conditions. This variant is present in population databases (rs774215770, gnomAD 0.0009%). This sequence change replaces leucine, which is neutral and non-polar, with phenylalanine, which is neutral and non-polar, at codon 1818 of the PCDH15 protein (p.Leu1818Phe). Algorithms developed to predict the effect of missense changes on protein structure and function are either unavailable or do not agree on the potential impact of this missense change (SIFT: "Tolerated"; PolyPhen-2: "Not Available"; Align-GVGD: "Class C0"). In summary, the available evidence is currently insufficient to determine the role of this variant in disease. Therefore, it has been classified as a Variant of Uncertain Significance.

NM_033056.4(PCDH15):c.5452C>T (p.Leu1818Phe)

Gene: PCDH15 (protocadherin related 15; minus strand). Cytogenetic location: 10q21.1.
Variant type: single nucleotide variant.
Coding change: c.5452C>T on transcript NM_033056.4 (MANE Plus Clinical); coding-DNA position 5452, C replaced by T.
Protein change: p.Leu1818Phe; replaces leucine 1818 with phenylalanine.
Molecular consequence: missense variant. On other transcripts: intron variant (8).
Genome position (GRCh38, 1-based): chr10:53,822,274, G>A on the plus strand (C>T on the coding strand, the complement: PCDH15 is on the minus strand). VCF-style: chr10-53822274-G-A. GRCh37 (hg19) VCF-style: chr10-55582034-G-A.
Other names: c.5473C>T, p.Leu1825Phe (NM_001142763.2); c.5458C>T, p.Leu1820Phe (NM_001142764.2); c.5245C>T, p.Leu1749Phe (NM_001142765.2); c.5443C>T, p.Leu1815Phe (NM_001142766.2); c.5332C>T, p.Leu1778Phe (NM_001142767.2); c.5392C>T, p.Leu1798Phe (NM_001142768.2); c.5383C>T, p.Leu1795Phe (NM_001142773.2); c.5386C>T, p.Leu1796Phe (NM_001354404.2); and 7 more; short protein forms L1749F, L1798F, L1825F, L1778F, L1796F, L1815F, L1795F, L1818F.
Identifiers: ClinVar variation 2002421 (VCV002002421.2), dbSNP rs774215770, ClinGen allele CA5505031.